The following is an entry in ClinVar:

ClinVar aggregate classification (germline): Uncertain significance (1 of 4 stars; one submission).

Submission:

Labcorp Genetics (formerly Invitae), Labcorp
Classification: Uncertain significance. Last evaluated: 2021-11-23. Review status: criteria provided, single submitter. Criteria: Invitae Variant Classification Sherloc (09022015). Collection method: clinical testing. Allele origin: germline.
Comment: In summary, the available evidence is currently insufficient to determine the role of this variant in disease. Therefore, it has been classified as a Variant of Uncertain Significance. Experimental studies and prediction algorithms are not available or were not evaluated, and the functional significance of this variant is currently unknown. This variant has not been reported in the literature in individuals affected with ARMC9-related conditions. This variant is not present in population databases (gnomAD no frequency). This sequence change replaces alanine, which is neutral and non-polar, with valine, which is neutral and non-polar, at codon 137 of the ARMC9 protein (p.Ala137Val).

NM_001352754.2(ARMC9):c.410C>T (p.Ala137Val)

Gene: ARMC9 (armadillo repeat containing 9; plus strand). Cytogenetic location: 2q37.1.
Variant type: single nucleotide variant.
Coding change: c.410C>T on transcript NM_001352754.2 (MANE Select); coding-DNA position 410, C replaced by T.
Protein change: p.Ala137Val; replaces alanine 137 with valine.
Molecular consequence: missense variant. On other transcripts: non-coding transcript variant (1).
Genome position (GRCh38, 1-based): chr2:231,216,699, C>T. VCF-style: chr2-231216699-C-T. GRCh37 (hg19) VCF-style: chr2-232081412-C-T.
Other names: c.410C>T, p.Ala137Val (NM_001271466.4, NM_001291656.2, NM_001352755.2 and 5 more transcripts); short protein forms A137V.
Identifiers: ClinVar variation 1353103 (VCV001353103.6), dbSNP rs2125324051, ClinGen allele CA350947017.